The following is an entry in ClinVar:

ClinVar aggregate classification (germline): Uncertain significance. Review status: criteria provided, multiple submitters, no conflicts (2 of 4 stars). 2 submissions from 2 submitters: Uncertain significance (2). Last evaluated 2026-04-10.

Conditions:
Tuberous sclerosis 2 (TSC2). Identifiers: Orphanet 805, MedGen C1860707, MONDO:0013199, OMIM 613254.
Hereditary cancer-predisposing syndrome. Also called: Tumor predisposition; Hereditary Cancer Syndrome; Neoplastic Syndromes, Hereditary; Hereditary neoplastic syndrome. Identifiers: Orphanet 140162, MedGen C0027672, MeSH D009386, MONDO:0015356.

Submissions (2):

Ambry Genetics
Classification: Uncertain significance for Hereditary cancer-predisposing syndrome. Last evaluated: 2026-04-10. Review status: criteria provided, single submitter. Criteria: Ambry Variant Classification Scheme 2023. Collection method: clinical testing. Allele origin: germline.
Comment: The p.H137Y variant (also known as c.409C>T), located in coding exon 4 of the TSC2 gene, results from a C to T substitution at nucleotide position 409. The histidine at codon 137 is replaced by tyrosine, an amino acid with similar properties. This amino acid position is conserved. In addition, the in silico prediction for this alteration is inconclusive. Based on the available evidence, the clinical significance of this variant remains unclear.

Labcorp Genetics (formerly Invitae), Labcorp
Classification: Uncertain significance for Tuberous sclerosis 2. Last evaluated: 2019-05-24. Review status: criteria provided, single submitter. Criteria: Invitae Variant Classification Sherloc (09022015). Collection method: clinical testing. Allele origin: germline.
Comment: This variant has not been reported in the literature in individuals with TSC2-related disease. Algorithms developed to predict the effect of missense changes on protein structure and function are either unavailable or do not agree on the potential impact of this missense change (SIFT: "Tolerated"; PolyPhen-2: "Possibly Damaging"; Align-GVGD: "Class C0"). In summary, the available evidence is currently insufficient to determine the role of this variant in disease. Therefore, it has been classified as a Variant of Uncertain Significance. This variant is not present in population databases (ExAC no frequency). This sequence change replaces histidine with tyrosine at codon 137 of the TSC2 protein (p.His137Tyr). The histidine residue is moderately conserved and there is a moderate physicochemical difference between histidine and tyrosine.

NM_000548.5(TSC2):c.409C>T (p.His137Tyr)

Gene: TSC2 (TSC complex subunit 2; plus strand). Cytogenetic location: 16p13.3.
Variant type: single nucleotide variant.
Coding change: c.409C>T on transcript NM_000548.5 (MANE Select); coding-DNA position 409, C replaced by T.
Protein change: p.His137Tyr; replaces histidine 137 with tyrosine.
Molecular consequence: missense variant. On other transcripts: intron variant (1).
Genome position (GRCh38, 1-based): chr16:2,054,368, C>T. VCF-style: chr16-2054368-C-T. GRCh37 (hg19) VCF-style: chr16-2104369-C-T.
Other names: c.409C>T, p.His137Tyr (NM_001077183.3, NM_001114382.3, NM_001363528.2 and 3 more transcripts); c.298C>T, p.His100Tyr (NM_001318827.2); c.262C>T, p.His88Tyr (NM_001318829.2); c.442C>T, p.His148Tyr (NM_001318832.2); c.-1-1828C>T (NM_001318831.2); short protein forms H88Y, H100Y, H148Y, H137Y.
Identifiers: ClinVar variation 657404 (VCV000657404.11), dbSNP rs1596265133, ClinGen allele CA394307056.